The following is an entry in ClinVar:

NM_001303512.2(PDZD4):c.42G>A (p.Gln14=)

Gene: PDZD4 (PDZ domain containing 4; minus strand). Cytogenetic location: Xq28.
Variant type: single nucleotide variant.
Coding change: c.42G>A on transcript NM_001303512.2 (MANE Select); coding-DNA position 42, G replaced by A.
Protein change: p.Gln14=; no amino-acid change (glutamine 14 retained).
Molecular consequence: synonymous variant. On other transcripts: 5 prime UTR variant (1).
Genome position (GRCh38, 1-based): chrX:153,830,257, C>T on the plus strand (G>A on the coding strand, the complement: PDZD4 is on the minus strand). VCF-style: chrX-153830257-C-T. GRCh37 (hg19) VCF-style: chrX-153095712-C-T.
Other names: c.-508G>A (NM_001303513.3); c.42G>A, p.Gln14= (NM_001303514.2, NM_032512.5).
Identifiers: ClinVar variation 2661739 (VCV002661739.24), dbSNP rs2520874658, ClinGen allele CA519185443.

ClinVar aggregate classification (germline): Likely benign (1 of 4 stars; one submission).

Submission:

CeGaT Center for Human Genetics Tuebingen
Classification: Likely benign. Last evaluated: 2022-12-01. Review status: criteria provided, single submitter. Criteria: CeGaT Center For Human Genetics Tuebingen Variant Classification Criteria Version 2. Collection method: clinical testing. Allele origin: germline. Affected: yes. Observed: 1 variant allele.
Comment: PDZD4: PM2:Supporting, BP4, BP7